The following is an entry in ClinVar:

NM_017514.5(PLXNA3):c.696C>A (p.Ser232Arg)

Gene: PLXNA3 (plexin A3; plus strand). Cytogenetic location: Xq28.
Variant type: single nucleotide variant.
Coding change: c.696C>A on transcript NM_017514.5 (MANE Select); coding-DNA position 696, C replaced by A.
Protein change: p.Ser232Arg; replaces serine 232 with arginine.
Molecular consequence: missense variant.
Genome position (GRCh38, 1-based): chrX:154,461,200, C>A. VCF-style: chrX-154461200-C-A. GRCh37 (hg19) VCF-style: chrX-153689540-C-A.
Other names: short protein forms S232R.
Identifiers: ClinVar variation 3346080 (VCV003346080.1).
Genomic context (GRCh38, chrX:154,461,200, plus strand): 5'-CTCAGACACGCTGTCCTTGTACCCTGCCTTTGACATCTACTACATCTACGGCTTCGTCAG[C>A]GCCTCCTTCGTGTACTTCCTGACGCTGCAGCTGGACACCCAGCAGACGCTGTTGGACACA-3'
Protein context (NP_059984.3, residues 222-242): FDIYYIYGFV[Ser232Arg]ASFVYFLTLQ

ClinVar aggregate classification (germline): Uncertain significance (0 of 4 stars; one submission).

Conditions:
PLXNA3-related disorder. Also called: PLXNA3-related condition.

Submission:

PreventionGenetics, part of Exact Sciences
Classification: Uncertain significance for PLXNA3-related condition. Last evaluated: 2024-04-06. Review status: no assertion criteria provided. Collection method: clinical testing. Allele origin: germline.
Comment: The PLXNA3 c.696C>A variant is predicted to result in the amino acid substitution p.Ser232Arg. To our knowledge, this variant has not been reported in the literature or in a large population database, indicating this variant is rare. At this time, the clinical significance of this variant is uncertain due to the absence of conclusive functional and genetic evidence.